The following is an entry in ClinVar:

ClinVar aggregate classification (germline): Likely benign. Review status: reviewed by expert panel (3 of 4 stars). 15 submissions from 15 submitters: Likely benign (1). 14 of the submissions do not count toward it. Last evaluated 2017-06-29.

Conditions:
Hereditary cancer-predisposing syndrome. Also called: Tumor predisposition; Neoplastic Syndromes, Hereditary; Hereditary Cancer Syndrome; Hereditary neoplastic syndrome. Identifiers: Orphanet 140162, MedGen C0027672, MeSH D009386, MONDO:0015356.
Hereditary breast ovarian cancer syndrome. Also called: Hereditary breast and ovarian cancer; Hereditary breast and ovarian cancer syndrome (HBOC); Breast and ovarian cancer; Hereditary breast and/or ovarian cancer syndrome; BRCA1- and BRCA2-Associated Hereditary Breast and Ovarian Cancer; Hereditary breast and ovarian cancer syndrome. Identifiers: Orphanet 145, MedGen C0677776, MeSH D061325, MONDO:0003582. Disease mechanism: loss of function.
Pancreatic cancer, susceptibility to, 2. Identifiers: Orphanet 1333, MedGen C3150546, MONDO:0013235, OMIM 613347.
Breast-ovarian cancer, familial, susceptibility to, 2 (BROVCA2). Also called: BRCA2 Hereditary Breast and Ovarian Cancer. Identifiers: Orphanet 145, MedGen C2675520, MONDO:0012933, OMIM 612555. Disease mechanism: loss of function.

Allele frequency attached by ClinVar (database versions not stated): TOPMed below 0.00001; gnomAD 0.00001.

Submissions (15):

Evidence-based Network for the Interpretation of Germline Mutant Alleles (ENIGMA)
Classification: Likely benign for Breast-ovarian cancer, familial, susceptibility to, 2. Last evaluated: 2017-06-29. Review status: reviewed by expert panel. Criteria: ENIGMA BRCA1/2 Classification Criteria (2017-06-29). Collection method: curation. Allele origin: germline.
Comment: Synonymous substitution variant, with low bioinformatic likelihood to result in a splicing aberration (Splicing prior probability 0.02).

Labcorp Genetics (formerly Invitae), Labcorp
Classification: Benign for Hereditary breast ovarian cancer syndrome. Last evaluated: 2026-02-04. Review status: criteria provided, single submitter. Criteria: Invitae Variant Classification Sherloc (09022015). Collection method: clinical testing. Allele origin: germline. Not counted in ClinVar's aggregate classification.

Molecular Diagnostics Laboratory, Catalan Institute of Oncology
Classification: Likely benign for Hereditary cancer-predisposing syndrome. Last evaluated: 2025-08-25. Review status: criteria provided, single submitter. Criteria: ClinGen BRCA1BRCA2 ACMG Specifications BRCA2 V1.0.0. Collection method: clinical testing. Allele origin: germline. Not counted in ClinVar's aggregate classification.
Comment: BP1_Strong c.10023C>T, located in exon 27 of the BRCA2 gene, is predicted to result in no amino acid change, p.(Asp3341=). This position is outside a (potentially) clinically important functional domain and, the SpliceAI algorithm predicts no significant impact on splicing (BP1_Strong). This variant is found in 3/268265 alleles at a frequency of 0.0011% in the gnomAD v2.1.1 database, non-cancer dataset. To our knowledge, neither multifactorial analysis nor well-established functional studies have been reported for this variant. It has been reported in ClinVar (2x benign, 10x likely benign), LOVD (3x likely benign, 3x uncertain significance) and BRCA Exchange (likely benign). Based on the currently available evidence, c.10023C>T is classified as a likely benign variant according to ClinGen-BRCA2 Guidelines v.1.

Quest Diagnostics Nichols Institute San Juan Capistrano
Classification: Likely benign. Last evaluated: 2025-02-18. Review status: criteria provided, single submitter. Criteria: Quest Diagnostics criteria. Collection method: clinical testing. Allele origin: unknown. Not counted in ClinVar's aggregate classification.

CeGaT Center for Human Genetics Tuebingen
Classification: Likely benign. Last evaluated: 2024-04-01. Review status: criteria provided, single submitter. Criteria: CeGaT Center For Human Genetics Tuebingen Variant Classification Criteria Version 2. Collection method: clinical testing. Allele origin: germline. Affected: yes. Observed: 1 variant allele. Not counted in ClinVar's aggregate classification.
Comment: BRCA2: BP4, BP7

Department of Pathology and Laboratory Medicine, Sinai Health System
Classification: Likely benign for Pancreatic cancer, susceptibility to, 2. Last evaluated: 2023-07-25. Review status: criteria provided, single submitter. Criteria: ACMG Guidelines, 2015. Collection method: clinical testing. Allele origin: germline. Affected: yes. Not counted in ClinVar's aggregate classification.

National Health Laboratory Service, Universitas Academic Hospital and University of the Free State
Classification: Likely benign for Hereditary breast ovarian cancer syndrome. Last evaluated: 2022-04-19. Review status: criteria provided, single submitter. Criteria: ACMG Guidelines, 2015. Collection method: clinical testing. Allele origin: germline. Affected: yes. Observed: 55 variant alleles. Not counted in ClinVar's aggregate classification.

Blueprint Genetics
Classification: Likely benign. Last evaluated: 2021-10-29. Review status: criteria provided, single submitter. Criteria: ACMG Guidelines, 2015. Collection method: clinical testing. Allele origin: germline. Not counted in ClinVar's aggregate classification.

Women's Health and Genetics/Laboratory Corporation of America, LabCorp
Classification: Likely benign. Last evaluated: 2019-04-22. Review status: criteria provided, single submitter. Criteria: LabCorp Variant Classification Summary - May 2015. Collection method: clinical testing. Allele origin: germline. Not counted in ClinVar's aggregate classification.
Comment: Variant summary: BRCA2 c.10023C>T alters a non-conserved nucleotide resulting in a synonymous change. 5/5 computational tools predict no significant impact on normal splicing. However, these predictions have yet to be confirmed by functional studies. The variant allele was found at a frequency of 1.6e-05 in 250960 control chromosomes. The available data on variant occurrences in the general population are insufficient to allow any conclusion about variant significance. c.10023C>T has not been reported in the literature in individuals affected with Hereditary Breast and Ovarian Cancer. To our knowledge, no experimental evidence demonstrating an impact on protein function has been reported. Three clinical diagnostic laboratories and one expert panel have submitted clinical-significance assessments for this variant to ClinVar after 2014 without evidence for independent evaluation. All laboratories classified the variant as likely benign. In addition, a reputable database indicates the variant to co-occur with a pathogenic BRCA1 variant, c.5152+5G>A (internally classified as pathogenic). Based on the evidence outlined above, the variant was classified as likely benign.

Color Diagnostics, LLC DBA Color Health
Classification: Likely benign for Hereditary cancer-predisposing syndrome. Last evaluated: 2017-12-18. Review status: criteria provided, single submitter. Criteria: ACMG Guidelines, 2015. Collection method: clinical testing. Allele origin: germline. Not counted in ClinVar's aggregate classification.

Ambry Genetics
Classification: Likely benign for Hereditary cancer-predisposing syndrome. Last evaluated: 2015-06-28. Review status: criteria provided, single submitter. Criteria: Ambry Variant Classification Scheme 2023. Collection method: clinical testing. Allele origin: germline. Not counted in ClinVar's aggregate classification.

GeneDx
Classification: Benign. Last evaluated: 2015-03-23. Review status: criteria provided, single submitter. Criteria: GeneDx Variant Classification Process June 2021. Collection method: clinical testing. Allele origin: germline. Affected: yes. Not counted in ClinVar's aggregate classification.
Comment: This variant is associated with the following publications: (PMID: 17724471)

BRCAlab, Lund University
Classification: Likely benign for Breast-ovarian cancer, familial, susceptibility to, 2. Last evaluated: 2020-03-02. Review status: no assertion criteria provided. Collection method: clinical testing. Allele origin: germline. Affected: yes. Not counted in ClinVar's aggregate classification.

Clinical Genetics Laboratory, Department of Pathology, Netherlands Cancer Institute
Classification: Likely benign. Review status: no assertion criteria provided. Collection method: clinical testing. Allele origin: germline. Affected: yes. Study: VKGL Data-share Consensus. Not counted in ClinVar's aggregate classification.

Joint Genome Diagnostic Labs from Nijmegen and Maastricht, Radboudumc and MUMC+
Classification: Likely benign. Review status: no assertion criteria provided. Collection method: clinical testing. Allele origin: germline. Affected: yes. Study: VKGL Data-share Consensus. Not counted in ClinVar's aggregate classification.

Literature cited by the submitters: PubMed 32467295 (cited by Quest Diagnostics Nichols Institute San Juan Capistrano); PubMed 17724471 (cited by Quest Diagnostics Nichols Institute San Juan Capistrano and Women's Health and Genetics/Laboratory Corporation of America, LabCorp); DOI 10.3389/fgene.2022.834265 (cited by National Health Laboratory Service, Universitas Academic Hospital and University of the Free State).

NM_000059.4(BRCA2):c.10023C>T (p.Asp3341=)

Gene: BRCA2 (BRCA2 DNA repair associated; plus strand). Cytogenetic location: 13q13.1.
Variant type: single nucleotide variant.
Coding change: c.10023C>T on transcript NM_000059.4 (MANE Select); coding-DNA position 10023, C replaced by T.
Protein change: p.Asp3341=; no amino-acid change (aspartic acid 3341 retained).
Molecular consequence: synonymous variant.
Genome position (GRCh38, 1-based): chr13:32,398,536, C>T. VCF-style: chr13-32398536-C-T. GRCh37 (hg19) VCF-style: chr13-32972673-C-T.
Other names: NP_000050.3:p.Asp3341=.
Identifiers: ClinVar variation 184877 (VCV000184877.64), dbSNP rs113507014, ClinGen allele CA010054.